The following is an entry in ClinVar:

NM_001029896.2(WDR45):c.938del (p.Gly313fs)

Gene: WDR45 (WD repeat domain 45; minus strand). Cytogenetic location: Xp11.23.
Variant type: Deletion.
Coding change: c.938del on transcript NM_001029896.2 (MANE Select); coding-DNA position 938, one base deleted (G; older notation c.938delG).
Protein change: p.Gly313fs; shifts the reading frame from glycine 313.
Molecular consequence: frameshift variant.
Genome position (GRCh38, 1-based): chrX:49,075,171, C deleted on the plus strand (G on the coding strand, the reverse complement: WDR45 is on the minus strand); the first of 2 consecutive C bases (chrX:49,075,171-49,075,172); deleting either gives the same sequence. VCF-style (leftmost placement, unchanged base first): chrX-49075170-AC-A. GRCh37 (hg19) VCF-style: chrX-48932829-AC-A.
Other names: c.941del, p.Gly314fs (NM_007075.4); short protein forms G313fs, G314fs.
Identifiers: ClinVar variation 1076011 (VCV001076011.9), dbSNP rs2147814810, ClinGen allele CA2499226753.

ClinVar aggregate classification (germline): Pathogenic (1 of 4 stars; one submission).

Conditions:
Neurodegeneration with brain iron accumulation 5 (NBIA5). Also called: Beta-propeller protein-associated neurodegeneration; STATIC ENCEPHALOPATHY OF CHILDHOOD WITH NEURODEGENERATION IN ADULTHOOD. Identifiers: Orphanet 329284, MedGen C3550973, MONDO:0010476, OMIM 300894.

Submission:

Labcorp Genetics (formerly Invitae), Labcorp
Classification: Pathogenic for Neurodegeneration with brain iron accumulation 5. Last evaluated: 2020-08-31. Review status: criteria provided, single submitter. Criteria: Invitae Variant Classification Sherloc (09022015). Collection method: clinical testing. Allele origin: germline.
Comment: This sequence change results in a premature translational stop signal in the WDR45 gene (p.Gly314Valfs*16). While this is not anticipated to result in nonsense mediated decay, it is expected to disrupt the last 48 amino acids of the WDR45 protein. This variant disrupts the C-terminus of the WDR45 protein. Other variant(s) that disrupt this region (p.Tyr336Cysfs*5) have been determined to be pathogenic (PMID: 23176820, 29445477, 29171013, 27681470). This suggests that variants that disrupt this region of the protein are likely to be causative of disease. This variant has not been reported in the literature in individuals with WDR45-related conditions. This variant is not present in population databases (ExAC no frequency). For these reasons, this variant has been classified as Pathogenic.

Literature cited by the submitters: PubMed 23176820; PubMed 29445477; PubMed 29171013; PubMed 27681470.